The following is an entry in ClinVar:

NM_198253.3(TERT):c.959C>G (p.Pro320Arg)

Gene: TERT (telomerase reverse transcriptase; minus strand). Cytogenetic location: 5p15.33.
Variant type: single nucleotide variant.
Coding change: c.959C>G on transcript NM_198253.3 (MANE Select); coding-DNA position 959, C replaced by G.
Protein change: p.Pro320Arg; replaces proline 320 with arginine.
Molecular consequence: missense variant. On other transcripts: non-coding transcript variant (2).
Genome position (GRCh38, 1-based): chr5:1,293,927, G>C on the plus strand (C>G on the coding strand, the complement: TERT is on the minus strand). VCF-style: chr5-1293927-G-C. GRCh37 (hg19) VCF-style: chr5-1294042-G-C.
Other names: c.959C>G, p.Pro320Arg (NM_001193376.3); short protein forms P320R.
Identifiers: ClinVar variation 1346559 (VCV001346559.8), dbSNP rs1751178484, ClinGen allele CA359056072.

ClinVar aggregate classification (germline): Uncertain significance (1 of 4 stars; one submission).

Conditions:
Dyskeratosis congenita, autosomal dominant 2. Identifiers: MedGen C3151443, MONDO:0013521, OMIM 613989.
Idiopathic Pulmonary Fibrosis. Also called: Idiopathic fibrosing alveolitis, chronic form; idiopathic fibrosing alveolitis. Identifiers: Orphanet 2032, MedGen C1800706, MeSH D054990, MONDO:0800504.

Submission:

Labcorp Genetics (formerly Invitae), Labcorp
Classification: Uncertain significance for Dyskeratosis congenita, autosomal dominant 2; Idiopathic Pulmonary Fibrosis. Last evaluated: 2021-04-18. Review status: criteria provided, single submitter. Criteria: Invitae Variant Classification Sherloc (09022015). Collection method: clinical testing. Allele origin: germline.
Comment: In summary, the available evidence is currently insufficient to determine the role of this variant in disease. Therefore, it has been classified as a Variant of Uncertain Significance. Advanced modeling of protein sequence and biophysical properties (such as structural, functional, and spatial information, amino acid conservation, physicochemical variation, residue mobility, and thermodynamic stability) performed at Invitae indicates that this missense variant is not expected to disrupt TERT protein function. This variant has not been reported in the literature in individuals with TERT-related conditions. This variant is not present in population databases (ExAC no frequency). This sequence change replaces proline with arginine at codon 320 of the TERT protein (p.Pro320Arg). The proline residue is weakly conserved and there is a moderate physicochemical difference between proline and arginine.